The following is an entry in ClinVar:

ClinVar aggregate classification (germline): Uncertain significance. Review status: criteria provided, multiple submitters, no conflicts (2 of 4 stars). 2 submissions from 2 submitters: Uncertain significance (2). Last evaluated 2021-12-19.

Allele frequency attached by ClinVar (database versions not stated): gnomAD 0.00001; gnomAD exomes 0.00001; ExAC 0.00003.
gnomAD v4.1: 14 of 1,578,368 alleles (0.00089%); highest among the groups gnomAD compares: Middle Eastern, 0.017%; no homozygotes.

Submissions (2):

Labcorp Genetics (formerly Invitae), Labcorp
Classification: Uncertain significance. Last evaluated: 2021-12-19. Review status: criteria provided, single submitter. Criteria: Invitae Variant Classification Sherloc (09022015). Collection method: clinical testing. Allele origin: germline.
Comment: Algorithms developed to predict the effect of missense changes on protein structure and function (SIFT, PolyPhen-2, Align-GVGD) all suggest that this variant is likely to be tolerated. In summary, the available evidence is currently insufficient to determine the role of this variant in disease. Therefore, it has been classified as a Variant of Uncertain Significance. ClinVar contains an entry for this variant (Variation ID: 993985). This variant has not been reported in the literature in individuals affected with HSPG2-related conditions. This variant is present in population databases (rs772760659, gnomAD 0.01%). This sequence change replaces proline, which is neutral and non-polar, with leucine, which is neutral and non-polar, at codon 3298 of the HSPG2 protein (p.Pro3298Leu).

ARUP Laboratories, Molecular Genetics and Genomics, ARUP Laboratories
Classification: Uncertain significance. Last evaluated: 2019-09-23. Review status: criteria provided, single submitter. Criteria: ARUP Molecular Germline Variant Investigation Process. Collection method: clinical testing. Allele origin: germline.

NM_005529.7(HSPG2):c.9893C>T (p.Pro3298Leu)

Gene: HSPG2 (heparan sulfate proteoglycan 2; minus strand). Cytogenetic location: 1p36.12.
Variant type: single nucleotide variant.
Coding change: c.9893C>T on transcript NM_005529.7 (MANE Select); coding-DNA position 9893, C replaced by T.
Protein change: p.Pro3298Leu; replaces proline 3298 with leucine.
Molecular consequence: missense variant.
Genome position (GRCh38, 1-based): chr1:21,839,082, G>A on the plus strand (C>T on the coding strand, the complement: HSPG2 is on the minus strand). VCF-style: chr1-21839082-G-A. GRCh37 (hg19) VCF-style: chr1-22165575-G-A.
Other names: c.9896C>T, p.Pro3299Leu (NM_001291860.2); short protein forms P3298L, P3299L.
Identifiers: ClinVar variation 993985 (VCV000993985.12), dbSNP rs772760659, ClinGen allele CA670278.
Genomic context (GRCh38, chr1:21,839,082, plus strand): 5'-AGCTGCACCGTCTCCCCTGCCTGCACCGAAGCGTGCTCTGGGACCGTGGTGGCATATGGT[G>A]GGCCTGAGTGGGGGGACACAGAGGTCAGGATTGGGGAGGGCAAAGGTCAGAATGGCAGCA-3'
Protein context (NP_005520.4, residues 3288-3308): EATIILHVES[Pro3298Leu]PYATTVPEHA